The following is an entry in ClinVar:

NM_057175.5(NAA15):c.2156-10A>G

Gene: NAA15 (N-alpha-acetyltransferase 15, NatA auxiliary subunit; plus strand). Cytogenetic location: 4q31.1.
Variant type: single nucleotide variant.
Coding change: c.2156-10A>G on transcript NM_057175.5 (MANE Select); 10 bases into the intron before coding-DNA position 2156, A replaced by G.
Molecular consequence: intron variant.
Genome position (GRCh38, 1-based): chr4:139,384,822, A>G. VCF-style: chr4-139384822-A-G. GRCh37 (hg19) VCF-style: chr4-140305976-A-G.
Other names: c.2156-13A>G (NM_001410842.1).
Identifiers: ClinVar variation 3066313 (VCV003066313.1), dbSNP rs2530480082, ClinGen allele CA2672127978.
Genomic context (GRCh38, chr4:139,384,822, plus strand): 5'-AACAAAAATAAACTTTTGTAAACTTTATCAGAGTATTCAACTGCTAAGATTTTATTTTTA[A>G]TTTATTCAGCAGTGTGTGAAAGTAAAGATTTATCTGATACAGTTAGAACAGTATTAAAAC-3'

ClinVar aggregate classification (germline): Uncertain significance (1 of 4 stars; one submission).

Conditions:
Intellectual developmental disorder, autosomal dominant 50, with behavioral abnormalities. Also called: Intellectual disability, autosomal dominant 50; MENTAL RETARDATION, AUTOSOMAL DOMINANT 50. Identifiers: MedGen C4540470, MONDO:0030916, OMIM 617787.

Submission:

MVZ Medizinische Genetik Mainz
Classification: Uncertain significance for Intellectual developmental disorder, autosomal dominant 50, with behavioral abnormalities. Last evaluated: 2022-01-15. Review status: criteria provided, single submitter. Criteria: UK Practice Guidelines For Variant Classification V4 01 2020. Collection method: clinical testing. Allele origin: germline. Inheritance: Autosomal dominant inheritance. Affected: yes. Observed: 1 variant allele.
Comment: ACMG Criteria: PM2_SUP,PP3